The following is an entry in ClinVar:

ClinVar aggregate classification (germline): Benign (1 of 4 stars; one submission).

Conditions:
Pheochromocytoma/paraganglioma syndrome 3. Also called: GLOMUS TUMORS, FAMILIAL, 3; Paragangliomas 3; SDHC-Related Hereditary Paraganglioma-Pheochromocytoma Syndrome (Paragangliomas 3); SDHC-Related Hereditary Paraganglioma-Pheochromocytoma Syndrome. Identifiers: Orphanet 29072, MedGen C1854336, MONDO:0011544, OMIM 605373.

Submission:

Myriad Genetics, Inc.
Classification: Benign for Pheochromocytoma/paraganglioma syndrome 3. Last evaluated: 2025-03-14. Review status: criteria provided, single submitter. Criteria: Myriad Autosomal Dominant, Autosomal Recessive and X-Linked Classification Criteria (2023). Collection method: clinical testing. Allele origin: unknown.
Comment: This variant is considered benign. This variant is intronic and is not expected to impact mRNA splicing.

NM_003001.5(SDHC):c.21-43_21-20dup

Gene: SDHC (succinate dehydrogenase complex subunit C; plus strand). Cytogenetic location: 1q23.3.
Variant type: Duplication.
Coding change: c.21-43_21-20dup on transcript NM_003001.5 (MANE Select); 43 bases into the intron before coding-DNA position 21 through 20 bases into the intron before coding-DNA position 21, 24 bases duplicated (GATCTCTAAATGTGTATTGATTTT).
Molecular consequence: intron variant.
Genome position (GRCh38, 1-based): chr1:161,323,571-161,323,594, GATCTCTAAATGTGTATTGATTTT duplicated; duplicating any 24 consecutive bases within chr1:161,323,569-161,323,594 gives the same sequence; the c. name uses the placement nearest the transcript's 3' end. VCF-style (leftmost placement, unchanged base first): chr1-161323568-G-GTTGATCTCTAAATGTGTATTGATT. GRCh37 (hg19) VCF-style: chr1-161293358-G-GTTGATCTCTAAATGTGTATTGATT.
Other names: c.-91-43_-91-20dup (NM_001407119.1); c.-209-43_-209-20dup (NM_001407120.1); c.21-43_21-20dup (NM_001407115.1, NM_001035511.3, NM_001035512.3 and 2 more transcripts); c.21-4825_21-4802dup (NM_001407116.1, NM_001407121.1, NM_001407117.1); c.20+9146_20+9169dup (NM_001035513.3).
Identifiers: ClinVar variation 3904403 (VCV003904403.1).